The following is an entry in ClinVar:

NM_004168.4(SDHA):c.253_256dup (p.Asn86delinsIleTer)

Gene: SDHA (succinate dehydrogenase complex flavoprotein subunit A; plus strand). Cytogenetic location: 5p15.33.
Variant type: Duplication.
Coding change: c.253_256dup on transcript NM_004168.4 (MANE Select); coding-DNA positions 253 to 256, 4 bases duplicated (TTTA; older notation c.253_256dupTTTA).
Protein change: p.Asn86delinsIleTer.
Molecular consequence: nonsense.
Genome position (GRCh38, 1-based): chr5:224,462-224,465, TTTA duplicated. VCF-style (leftmost placement, unchanged base first): chr5-224461-G-GTTTA. GRCh37 (hg19) VCF-style: chr5-224576-G-GTTTA.
Other names: c.253_256dupTTTA (NM_004168.3); c.253_256dup, p.Asn86delinsIleTer (NM_001294332.2, NM_001330758.2).
Identifiers: ClinVar variation 576450 (VCV000576450.7), dbSNP rs1560986132, ClinGen allele CA891842620.

ClinVar aggregate classification (germline): Pathogenic (1 of 4 stars; one submission).

Conditions:
Mitochondrial complex II deficiency, nuclear type 1. Also called: SUCCINATE CoQ REDUCTASE DEFICIENCY. Identifiers: Orphanet 3208, MedGen C5700310, MONDO:0100294, OMIM 252011.
Pheochromocytoma/paraganglioma syndrome 5. Also called: Paragangliomas 5; SDHA-Related Hereditary Paraganglioma-Pheochromocytoma Syndrome. Identifiers: Orphanet 29072, MedGen C3279992, MONDO:0013602, OMIM 614165.

Submission:

Labcorp Genetics (formerly Invitae), Labcorp
Classification: Pathogenic for Pheochromocytoma/paraganglioma syndrome 5; Mitochondrial complex II deficiency, nuclear type 1. Last evaluated: 2018-06-07. Review status: criteria provided, single submitter. Criteria: Invitae Variant Classification Sherloc (09022015). Collection method: clinical testing. Allele origin: germline.
Comment: For these reasons, this variant has been classified as Pathogenic. Loss-of-function variants in SDHA are known to be pathogenic (PMID: 22974104, 24781757). This variant has not been reported in the literature in individuals with SDHA-related disease. This variant is not present in population databases (ExAC no frequency). This sequence change creates a premature translational stop signal (p.Asn86Ilefs*2) in the SDHA gene. It is expected to result in an absent or disrupted protein product.

Literature cited by the submitters: PubMed 22974104; PubMed 24781757.